The following is an entry in ClinVar:

ClinVar aggregate classification (germline): Likely benign. Review status: criteria provided, single submitter (1 of 4 stars). 2 submissions from 2 submitters: Likely benign (1). 1 of the submissions does not count toward it. Last evaluated 2025-08-04.

Conditions:
Familial temporal lobe epilepsy 7. Identifiers: Orphanet 101046, MedGen C4225327, MONDO:0014639, OMIM 616436.
Norman-Roberts syndrome (LIS2). Also called: Lissencephaly 2 (Norman-Roberts type). Identifiers: Orphanet 89844, MedGen C0796089, MONDO:0009760, OMIM 257320.
RELN-related disorder. Also called: RELN-related condition.

Allele frequency attached by ClinVar (database versions not stated): gnomAD 0.00003 and 0.00005; gnomAD exomes 0.00003 and 0.00005; ExAC 0.00004.

Submissions (2):

Labcorp Genetics (formerly Invitae), Labcorp
Classification: Likely benign for Familial temporal lobe epilepsy 7; Norman-Roberts syndrome. Last evaluated: 2025-08-04. Review status: criteria provided, single submitter. Criteria: Invitae Variant Classification Sherloc (09022015). Collection method: clinical testing. Allele origin: germline.

PreventionGenetics, part of Exact Sciences
Classification: Likely benign for RELN-related condition. Last evaluated: 2019-05-13. Review status: no assertion criteria provided. Collection method: clinical testing. Allele origin: germline. Not counted in ClinVar's aggregate classification.
Comment: This variant is classified as likely benign based on ACMG/AMP sequence variant interpretation guidelines (Richards et al. 2015 PMID: 25741868, with internal and published modifications).

NM_005045.4(RELN):c.5220G>A (p.Arg1740=)

Gene: RELN (reelin; minus strand). Cytogenetic location: 7q22.1.
Variant type: single nucleotide variant.
Coding change: c.5220G>A on transcript NM_005045.4 (MANE Select); coding-DNA position 5220, G replaced by A.
Protein change: p.Arg1740=; no amino-acid change (arginine 1740 retained).
Molecular consequence: synonymous variant.
Genome position (GRCh38, 1-based): chr7:103,561,944, C>T on the plus strand (G>A on the coding strand, the complement: RELN is on the minus strand). VCF-style: chr7-103561944-C-T. GRCh37 (hg19) VCF-style: chr7-103202391-C-T.
Other names: c.5220G>A, p.Arg1740= (NM_173054.3).
Identifiers: ClinVar variation 708673 (VCV000708673.12), dbSNP rs774453752, ClinGen allele CA4421271.